The following is an entry in ClinVar:

NM_000540.3(RYR1):c.8816+17T>A

Gene: RYR1 (ryanodine receptor 1; plus strand). Cytogenetic location: 19q13.2.
Variant type: single nucleotide variant.
Coding change: c.8816+17T>A on transcript NM_000540.3 (MANE Select); 17 bases into the intron after coding-DNA position 8816, T replaced by A.
Molecular consequence: intron variant.
Genome position (GRCh38, 1-based): chr19:38,506,969, T>A. VCF-style: chr19-38506969-T-A. GRCh37 (hg19) VCF-style: chr19-38997609-T-A.
Other names: c.8816+17T>A (NM_001042723.2).
Identifiers: ClinVar variation 93303 (VCV000093303.20), dbSNP rs2915959, ClinGen allele CA024946.
Genomic context (GRCh38, chr19:38,506,969, plus strand): 5'-GAGCTACTGAAATTCCTGCAGATGAATGGCTACGCGGTTACAAGGCACGCGGGTTGGGGC[T>A]CCCGCGGAAGAGCAGCAGGCAGAACACACCCGGCAAAGGCTGGAAGGGGCGGGGCCAGAG-3'

ClinVar aggregate classification (germline): Benign. Review status: criteria provided, multiple submitters, no conflicts (2 of 4 stars). 12 submissions from 10 submitters: Benign (9). 3 of the submissions do not count toward it. Last evaluated 2026-02-04.

Conditions:
Congenital multicore myopathy with external ophthalmoplegia (CMYO1B). Also called: MULTIMINICORE DISEASE WITH EXTERNAL OPHTHALMOPLEGIA; MULTICORE MYOPATHY; Minicore myopathy with external ophthalmoplegia; Congenital myopathy 1B, autosomal recessive; Minicore myopathy. Identifiers: Orphanet 598, Orphanet 98905, MedGen C1850674, MONDO:0009712, OMIM 255320, HP:0003789.
Central core myopathy (CMYO1A). Also called: CONGENITAL MYOPATHY 1A, AUTOSOMAL DOMINANT, WITH SUSCEPTIBILITY TO MALIGNANT HYPERTHERMIA; Central core disease; Myopathy, central fibrillar. Identifiers: Orphanet 597, MedGen C5830701, MONDO:0007294, OMIM 117000.
RYR1-related disorder. Also called: RYR1-related condition; RYR1-related disorders. Identifiers: MedGen CN239331.
King Denborough syndrome (KDS). Identifiers: MedGen C1840365, MONDO:0020485, OMIM 619542.

Allele frequency attached by ClinVar (database versions not stated): gnomAD exomes 0.27470 and 0.32034; ESP Exome Variant Server 0.30721; ExAC 0.32195; gnomAD 0.32203 and 0.32663; TOPMed 0.33271; 1000 Genomes Project 30x 0.40147; 1000 Genomes Project 0.40495.
gnomAD v4.1: 451,573 of 1,611,250 alleles (28%); highest among the groups gnomAD compares: South Asian, 44%; 67,238 homozygotes.

Submissions (12):

Labcorp Genetics (formerly Invitae), Labcorp
Classification: Benign for RYR1-related disorder. Last evaluated: 2026-02-04. Review status: criteria provided, single submitter. Criteria: Invitae Variant Classification Sherloc (09022015). Collection method: clinical testing. Allele origin: germline.

Blueprint Genetics
Classification: Benign. Last evaluated: 2024-11-28. Review status: criteria provided, single submitter. Criteria: ACMG Guidelines, 2015. Collection method: clinical testing. Allele origin: germline.

Genome-Nilou Lab
Classification: Benign for Central core myopathy. Last evaluated: 2021-11-07. Review status: criteria provided, single submitter. Criteria: ACMG Guidelines, 2015. Collection method: clinical testing. Allele origin: germline. Affected: no.

Genome-Nilou Lab
Classification: Benign for King Denborough syndrome. Last evaluated: 2021-11-07. Review status: criteria provided, single submitter. Criteria: ACMG Guidelines, 2015. Collection method: clinical testing. Allele origin: germline. Affected: no.

Genome-Nilou Lab
Classification: Benign for Congenital multicore myopathy with external ophthalmoplegia. Last evaluated: 2021-11-07. Review status: criteria provided, single submitter. Criteria: ACMG Guidelines, 2015. Collection method: clinical testing. Allele origin: germline. Affected: no.

PreventionGenetics, part of Exact Sciences
Classification: Benign. Last evaluated: 2018-04-03. Review status: criteria provided, single submitter. Criteria: ACMG Guidelines, 2015. Collection method: clinical testing. Allele origin: germline.

GeneDx
Classification: Benign. Last evaluated: 2016-01-25. Review status: criteria provided, single submitter. Criteria: GeneDx Variant Classification (06012015). Collection method: clinical testing. Allele origin: germline. Affected: yes.
Comment: This variant is considered likely benign or benign based on one or more of the following criteria: it is a conservative change, it occurs at a poorly conserved position in the protein, it is predicted to be benign by multiple in silico algorithms, and/or has population frequency not consistent with disease.

Eurofins Ntd Llc (ga)
Classification: Benign. Last evaluated: 2014-06-06. Review status: criteria provided, single submitter. Criteria: EGL Classification Definitions 2015. Collection method: clinical testing. Allele origin: germline. Observed: 25 variant alleles, 23 heterozygotes, 2 homozygotes.

Breakthrough Genomics
Classification: Benign. Review status: criteria provided, single submitter. Criteria: ACMG Guidelines, 2015. Collection method: not provided. Allele origin: germline. Inheritance: Autosomal recessive inheritance. Affected: yes.

Clinical Genetics, Academic Medical Center
Classification: Benign. Review status: no assertion criteria provided. Collection method: clinical testing. Allele origin: germline. Affected: yes. Study: VKGL Data-share Consensus. Not counted in ClinVar's aggregate classification.

Joint Genome Diagnostic Labs from Nijmegen and Maastricht, Radboudumc and MUMC+
Classification: Benign. Review status: no assertion criteria provided. Collection method: clinical testing. Allele origin: germline. Affected: yes. Study: VKGL Data-share Consensus. Not counted in ClinVar's aggregate classification.

RYR1 database
No classification provided. Review status: no classification provided. Collection method: not provided. Allele origin: unknown. Not counted in ClinVar's aggregate classification.